The following is an entry in ClinVar:

NM_001042492.3(NF1):c.7959C>A (p.Val2653=)

Gene: NF1 (neurofibromin 1; plus strand). Cytogenetic location: 17q11.2.
Variant type: single nucleotide variant.
Coding change: c.7959C>A on transcript NM_001042492.3 (MANE Select); coding-DNA position 7959, C replaced by A.
Protein change: p.Val2653=; no amino-acid change (valine 2653 retained).
Molecular consequence: synonymous variant.
Genome position (GRCh38, 1-based): chr17:31,357,358, C>A. VCF-style: chr17-31357358-C-A. GRCh37 (hg19) VCF-style: chr17-29684376-C-A.
Other names: c.7896C>A, p.Val2632= (NM_000267.4).
Identifiers: ClinVar variation 480147 (VCV000480147.16), dbSNP rs1555536767, ClinGen allele CA499340971.

ClinVar aggregate classification (germline): Benign/Likely benign. Review status: criteria provided, multiple submitters, no conflicts (2 of 4 stars). 4 submissions from 4 submitters: Benign (1); Likely benign (3). Last evaluated 2026-05-22.

Conditions:
Hereditary cancer-predisposing syndrome. Also called: Hereditary neoplastic syndrome; Neoplastic Syndromes, Hereditary; Hereditary Cancer Syndrome; Tumor predisposition. Identifiers: Orphanet 140162, MedGen C0027672, MeSH D009386, MONDO:0015356.
Cardiovascular phenotype. Identifiers: MedGen CN230736.
Neurofibromatosis, type 1 (NF1). Also called: Peripheral type neurofibromatosis; Neurofibromatosis, type I; VON RECKLINGHAUSEN DISEASE; NEUROFIBROMATOSIS, TYPE I, SOMATIC. Identifiers: Orphanet 636, MedGen C0027831, MONDO:0018975, OMIM 162200. Disease mechanism: loss of function.

Submissions (4):

Myriad Genetics, Inc.
Classification: Benign for Neurofibromatosis, type 1. Last evaluated: 2026-05-22. Review status: criteria provided, single submitter. Criteria: Myriad Autosomal Dominant, Autosomal Recessive and X-Linked Classification Criteria (2023). Collection method: clinical testing. Allele origin: unknown.
Comment: This variant is considered benign. This variant is a silent/synonymous amino acid change and it is not expected to impact splicing.

Labcorp Genetics (formerly Invitae), Labcorp
Classification: Likely benign for Neurofibromatosis, type 1. Last evaluated: 2025-02-13. Review status: criteria provided, single submitter. Criteria: Invitae Variant Classification Sherloc (09022015). Collection method: clinical testing. Allele origin: germline.

Genome-Nilou Lab
Classification: Likely benign for Neurofibromatosis, type 1. Last evaluated: 2022-03-15. Review status: criteria provided, single submitter. Criteria: ACMG Guidelines, 2015. Collection method: clinical testing. Allele origin: germline. Affected: no.

Ambry Genetics
Classification: Likely benign for Cardiovascular phenotype; Hereditary cancer-predisposing syndrome. Last evaluated: 2016-07-19. Review status: criteria provided, single submitter. Criteria: Ambry Variant Classification Scheme 2023. Collection method: clinical testing. Allele origin: germline.